The following is an entry in ClinVar:

NM_182961.4(SYNE1):c.20234A>G (p.Lys6745Arg)

Gene: SYNE1 (spectrin repeat containing nuclear envelope protein 1; minus strand). Cytogenetic location: 6q25.2.
Variant type: single nucleotide variant.
Coding change: c.20234A>G on transcript NM_182961.4 (MANE Select); coding-DNA position 20234, A replaced by G.
Protein change: p.Lys6745Arg; replaces lysine 6745 with arginine.
Molecular consequence: missense variant.
Genome position (GRCh38, 1-based): chr6:152,236,269, T>C on the plus strand (A>G on the coding strand, the complement: SYNE1 is on the minus strand). VCF-style: chr6-152236269-T-C. GRCh37 (hg19) VCF-style: chr6-152557404-T-C.
Other names: c.20021A>G, p.Lys6674Arg (NM_033071.5); short protein forms K6674R, K6745R.
Identifiers: ClinVar variation 1408445 (VCV001408445.8), dbSNP rs769256850, ClinGen allele CA4054459.
Genomic context (GRCh38, chr6:152,236,269, plus strand): 5'-AGATCTGAGCAGCTGATGGATATCAGAAGTCGTTTCCCATCATCTAATACTTGATATAAT[T>C]TGGGCTGGTATTCATTAAGGCTAGATTTTAAATGCTAAAATATTGAAATTATTGAGTTAA-3'
Protein context (NP_892006.3, residues 6735-6755): LKSSLNEYQP[Lys6745Arg]LYQVLDDGKR

ClinVar aggregate classification (germline): Uncertain significance (1 of 4 stars; one submission).

Conditions:
Emery-Dreifuss muscular dystrophy 4, autosomal dominant (EDMD4). Also called: EMERY-DREIFUSS MUSCULAR DYSTROPHY 4 WITH VARIABLE FEATURES. Identifiers: Orphanet 261, MedGen C2751807, MONDO:0013071, OMIM 612998.
Autosomal recessive ataxia, Beauce type. Also called: SYNE1-Related Autosomal Recessive Cerebellar Ataxia; Spinocerebellar ataxia, autosomal recessive 8; ATAXIA, RECESSIVE, OF BEAUCE; SYNE1 Deficiency. Identifiers: Orphanet 88644, MedGen C1853116, MONDO:0012549, OMIM 610743.

Allele frequency attached by ClinVar (database versions not stated): gnomAD 0.00001; TOPMed 0.00001; gnomAD exomes 0.00002 and 0.00004; ExAC 0.00003.
gnomAD v4.1: 36 of 1,613,918 alleles (0.0022%); highest among the groups gnomAD compares: South Asian, 0.033%; 1 homozygote.

Submission:

Labcorp Genetics (formerly Invitae), Labcorp
Classification: Uncertain significance for Emery-Dreifuss muscular dystrophy 4, autosomal dominant; Autosomal recessive ataxia, Beauce type. Last evaluated: 2021-05-13. Review status: criteria provided, single submitter. Criteria: Invitae Variant Classification Sherloc (09022015). Collection method: clinical testing. Allele origin: germline.
Comment: This variant is present in population databases (rs769256850, ExAC 0.02%). This sequence change replaces lysine with arginine at codon 6674 of the SYNE1 protein (p.Lys6674Arg). The lysine residue is highly conserved and there is a small physicochemical difference between lysine and arginine. This variant has not been reported in the literature in individuals with SYNE1-related conditions. In summary, the available evidence is currently insufficient to determine the role of this variant in disease. Therefore, it has been classified as a Variant of Uncertain Significance. Algorithms developed to predict the effect of missense changes on protein structure and function are either unavailable or do not agree on the potential impact of this missense change (SIFT: "Deleterious"; PolyPhen-2: "Benign"; Align-GVGD: "Class C25").